The following is an entry in ClinVar:

ClinVar aggregate classification (germline): Conflicting classifications of pathogenicity. Review status: criteria provided, conflicting classifications (1 of 4 stars). 7 submissions from 7 submitters: Uncertain significance (2); Benign (2); Likely benign (2). 1 of the submissions does not count toward it. Last evaluated 2025-10-15.

Conditions:
CSF1R-related disorder. Also called: CSF1R-related condition. Identifiers: MedGen CN379780, MONDO:0100632.
Hereditary diffuse leukoencephalopathy with spheroids. Also called: LEUKOENCEPHALOPATHY, ADULT-ONSET, WITH AXONAL SPHEROIDS AND PIGMENTED GLIA. Identifiers: Orphanet 313808, MedGen C3711381, MONDO:0030796.

Allele frequency attached by ClinVar (database versions not stated): TOPMed 0.00063; gnomAD 0.00067; gnomAD exomes 0.00075; ExAC 0.00090; ESP Exome Variant Server 0.00177.

Submissions (9):

Labcorp Genetics (formerly Invitae), Labcorp
Classification: Benign. Last evaluated: 2025-10-15. Review status: criteria provided, single submitter. Criteria: Invitae Variant Classification Sherloc (09022015). Collection method: clinical testing. Allele origin: germline.

Blueprint Genetics
Classification: Likely benign. Last evaluated: 2024-11-13. Review status: criteria provided, single submitter. Criteria: ACMG Guidelines, 2015. Collection method: clinical testing. Allele origin: germline.

Mayo Clinic Laboratories, Mayo Clinic
Classification: Uncertain significance. Last evaluated: 2023-02-22. Review status: criteria provided, single submitter. Criteria: ACMG Guidelines, 2015. Collection method: clinical testing. Allele origin: germline. Observed: 1 variant allele.
Comment: BP4

Women's Health and Genetics/Laboratory Corporation of America, LabCorp
Classification: Likely benign. Last evaluated: 2022-07-14. Review status: criteria provided, single submitter. Criteria: LabCorp Variant Classification Summary - May 2015. Collection method: clinical testing. Allele origin: germline.
Comment: Variant summary: CSF1R c.881G>A (p.Arg294Gln) results in a conservative amino acid change located in the Immunoglobulin subtype domain (IPR003599) of the encoded protein sequence. Five of five in-silico tools predict a benign effect of the variant on protein function. The variant allele was found at a frequency of 0.00075 in 251486 control chromosomes (gnomAD). The observed variant frequency is approximately 2 fold of the estimated maximal expected allele frequency for a pathogenic variant in CSF1R causing Brain Abnormalities, Neurodegeneration, And Dysosteosclerosis phenotype (0.00035), strongly suggesting that the variant is benign. To our knowledge, no occurrence of c.881G>A in individuals affected with Brain Abnormalities, Neurodegeneration, And Dysosteosclerosis and no experimental evidence demonstrating its impact on protein function have been reported. Two ClinVar submitters (evaluation after 2014) cite the variant as benign. Based on the evidence outlined above, the variant was classified as likely benign.

Department of Pathology and Laboratory Medicine, Sinai Health System
Classification: Uncertain significance for hereditary diffuse leukoencephalopathy with axonal spheroids and pigmented glia. Last evaluated: 2020-07-27. Review status: criteria provided, single submitter. Criteria: ACMG Guidelines, 2015. Collection method: research. Allele origin: germline.

Illumina Laboratory Services, Illumina
Classification: Benign for Leukoencephalopathy, diffuse hereditary, with spheroids 1. Last evaluated: 2018-01-12. Review status: criteria provided, single submitter. Criteria: ICSL Variant Classification Criteria 13 December 2019. Collection method: clinical testing. Allele origin: germline.
Comment: This variant was observed in the ICSL laboratory as part of a predisposition screen in an ostensibly healthy population. It had not been previously curated by ICSL or reported in the Human Gene Mutation Database (HGMD: prior to June 1st, 2018), and was therefore a candidate for classification through an automated scoring system. Utilizing variant allele frequency, disease prevalence and penetrance estimates, and inheritance mode, an automated score was calculated to assess if this variant is too frequent to cause the disease. Based on the score and internal cut-off values, a variant classified as benign is not then subjected to further curation. The score for this variant resulted in a classification of benign for this disease.

PreventionGenetics, part of Exact Sciences
Classification: Likely benign for CSF1R-related condition. Last evaluated: 2021-06-01. Review status: no assertion criteria provided. Collection method: clinical testing. Allele origin: germline. Not counted in ClinVar's aggregate classification.
Comment: This variant is classified as likely benign based on ACMG/AMP sequence variant interpretation guidelines (Richards et al. 2015 PMID: 25741868, with internal and published modifications).

Dr. Peter K. Rogan Lab, Western University
No classification provided (evidence only). Condition: Acute myeloid leukemia. Review status: no classification provided. Collection method: in vitro. Allele origin: not applicable. Functional consequence: retained intron. Not counted in ClinVar's aggregate classification.

Dr. Peter K. Rogan Lab, Western University
No classification provided (evidence only). Condition: Colon adenocarcinoma. Review status: no classification provided. Collection method: in vitro. Allele origin: not applicable. Functional consequence: retained intron. Not counted in ClinVar's aggregate classification.

NM_001288705.3(CSF1R):c.881G>A (p.Arg294Gln)

Gene: CSF1R (colony stimulating factor 1 receptor; minus strand). Cytogenetic location: 5q32.
Variant type: single nucleotide variant.
Coding change: c.881G>A on transcript NM_001288705.3 (MANE Select); coding-DNA position 881, G replaced by A.
Protein change: p.Arg294Gln; replaces arginine 294 with glutamine.
Molecular consequence: missense variant. On other transcripts: non-coding transcript variant (2).
Genome position (GRCh38, 1-based): chr5:150,077,284, C>T on the plus strand (G>A on the coding strand, the complement: CSF1R is on the minus strand). VCF-style: chr5-150077284-C-T. GRCh37 (hg19) VCF-style: chr5-149456847-C-T.
Other names: p.Arg294Gln; c.881G>A, p.Arg294Gln (NM_001349736.2, NM_001375320.1, NM_005211.4); c.437G>A, p.Arg146Gln (NM_001375321.1); short protein forms R294Q, R146Q.
Identifiers: ClinVar variation 352159 (VCV000352159.20), dbSNP rs149168939, ClinGen allele CA3507044.